The following is an entry in ClinVar:

NM_003718.5(CDK13):c.1148C>T (p.Ser383Phe)

Gene: CDK13 (cyclin dependent kinase 13; plus strand). Cytogenetic location: 7p14.1.
Variant type: single nucleotide variant.
Coding change: c.1148C>T on transcript NM_003718.5 (MANE Select); coding-DNA position 1148, C replaced by T.
Protein change: p.Ser383Phe; replaces serine 383 with phenylalanine.
Molecular consequence: missense variant.
Genome position (GRCh38, 1-based): chr7:39,951,789, C>T. VCF-style: chr7-39951789-C-T. GRCh37 (hg19) VCF-style: chr7-39991388-C-T.
Other names: c.1148C>T, p.Ser383Phe (NM_031267.4); short protein forms S383F.
Identifiers: ClinVar variation 1723408 (VCV001723408.2), dbSNP rs368733363, ClinGen allele CA4228417.

ClinVar aggregate classification (germline): Uncertain significance. Review status: criteria provided, multiple submitters, no conflicts (2 of 4 stars). 2 submissions from 2 submitters: Uncertain significance (2). Last evaluated 2025-02-13.

Conditions:
Inborn genetic diseases. Identifiers: MedGen C0950123, MeSH D030342.

Allele frequency attached by ClinVar (database versions not stated): ExAC 0.00002; TOPMed 0.00005; ESP Exome Variant Server 0.00008.
gnomAD v4.1: 9 of 1,469,808 alleles (0.00061%); highest among the groups gnomAD compares: Middle Eastern, 0.018%; no homozygotes.

Submissions (2):

Ambry Genetics
Classification: Uncertain significance for Inborn genetic diseases. Last evaluated: 2025-02-13. Review status: criteria provided, single submitter. Criteria: Ambry Variant Classification Scheme 2023. Collection method: clinical testing. Allele origin: germline.

Women's Health and Genetics/Laboratory Corporation of America, LabCorp
Classification: Uncertain significance. Last evaluated: 2022-10-28. Review status: criteria provided, single submitter. Criteria: LabCorp Variant Classification Summary - May 2015. Collection method: clinical testing. Allele origin: germline.
Comment: Variant summary: CDK13 c.1148C>T (p.Ser383Phe) results in a non-conservative amino acid change in the encoded protein sequence. Three of five in-silico tools predict a damaging effect of the variant on protein function. The variant allele was found at a frequency of 1.6e-05 in 127394 control chromosomes. The available data on variant occurrences in the general population are insufficient to allow any conclusion about variant significance. To our knowledge, no occurrence of c.1148C>T in individuals affected with Congenital Heart Defects, Dysmorphic Facial Features, And Intellectual Developmental Disorder and no experimental evidence demonstrating its impact on protein function have been reported. No clinical diagnostic laboratories have submitted clinical-significance assessments for this variant to ClinVar after 2014. Based on the evidence outlined above, the variant was classified as uncertain significance.